The following is an entry in ClinVar:

ClinVar aggregate classification (germline): Benign (1 of 4 stars; one submission).

Conditions:
Vesicoureteral reflux 2 (VUR2). Identifiers: Orphanet 289365, MedGen C1970483, MONDO:0012573, OMIM 610878.

Allele frequency attached by ClinVar (database versions not stated): 1000 Genomes Project 30x 0.01187; 1000 Genomes Project 0.01198; gnomAD 0.01346 and 0.01448; TOPMed 0.01436.

Submission:

Illumina Laboratory Services, Illumina
Classification: Benign for Vesicoureteral reflux 2. Last evaluated: 2018-01-12. Review status: criteria provided, single submitter. Criteria: ICSL Variant Classification Criteria 13 December 2019. Collection method: clinical testing. Allele origin: germline.
Comment: This variant was observed in the ICSL laboratory as part of a predisposition screen in an ostensibly healthy population. It had not been previously curated by ICSL or reported in the Human Gene Mutation Database (HGMD: prior to June 1st, 2018), and was therefore a candidate for classification through an automated scoring system. Utilizing variant allele frequency, disease prevalence and penetrance estimates, and inheritance mode, an automated score was calculated to assess if this variant is too frequent to cause the disease. Based on the score and internal cut-off values, a variant classified as benign is not then subjected to further curation. The score for this variant resulted in a classification of benign for this disease.

NM_001395656.1(ROBO2):c.*2964A>T

Gene: ROBO2 (roundabout guidance receptor 2; plus strand). Cytogenetic location: 3p12.3.
Variant type: single nucleotide variant.
Coding change: c.*2964A>T on transcript NM_001395656.1 (MANE Select); 2964 bases downstream of the stop codon, A replaced by T.
Molecular consequence: 3 prime UTR variant.
Genome position (GRCh38, 1-based): chr3:77,649,019, A>T. VCF-style: chr3-77649019-A-T. GRCh37 (hg19) VCF-style: chr3-77698170-A-T.
Other names: c.*2964A>T (NM_001128929.3, NM_001290039.2, NM_001290040.2 and 14 more transcripts); c.*2961A>T (NM_001378194.1, NM_001378196.1, NM_001378199.1 and 3 more transcripts).
Identifiers: ClinVar variation 346759 (VCV000346759.6), dbSNP rs1163749, ClinGen allele CA10619653.